The following is an entry in ClinVar:

NM_001267550.2(TTN):c.45369C>G (p.Ile15123Met)

Genes: TTN (titin; minus strand), LOC126806427 (BRD4-independent group 4 enhancer GRCh37_chr2:179485777-179486976; plus strand). Cytogenetic location: 2q31.2.
Variant type: single nucleotide variant.
Coding change: c.45369C>G on transcript NM_001267550.2 (MANE Select); coding-DNA position 45369, C replaced by G.
Protein change: p.Ile15123Met; replaces isoleucine 15123 with methionine.
Molecular consequence: missense variant.
Genome position (GRCh38, 1-based): chr2:178,621,349, G>C on the plus strand (C>G on the coding strand, the complement: TTN is on the minus strand). VCF-style: chr2-178621349-G-C. GRCh37 (hg19) VCF-style: chr2-179486076-G-C.
Other names: c.40446C>G, p.Ile13482Met (NM_001256850.1); c.18174C>G, p.Ile6058Met (NM_003319.4); c.37665C>G, p.Ile12555Met (NM_133378.4); c.18549C>G, p.Ile6183Met (NM_133432.3); c.18750C>G, p.Ile6250Met (NM_133437.4); c.45369C>G (NM_001267550.1); short protein forms I15123M, I6058M, I12555M, I6183M, I6250M, I13482M.
Identifiers: ClinVar variation 518558 (VCV000518558.8), dbSNP rs1160173197, ClinGen allele CA349634903.
Genomic context (GRCh38, chr2:178,621,349, plus strand): 5'-TATAGAGCAGACAAATTCAGCCTTTTCTCCTTCAAGTATTTCAAGGTTTTGAGGCTTTGA[G>C]ATAAATTCAGCAGCCAGTTCTGGGAAGAAAAAGTTACAAGATATTAGAAACATATGTCTT-3'
Protein context (NP_001254479.2, residues 15113-15133): VKVHELAAEF[Ile15123Met]SKPQNLEILE

ClinVar aggregate classification (germline): Uncertain significance. Review status: criteria provided, multiple submitters, no conflicts (2 of 4 stars). 3 submissions from 3 submitters: Uncertain significance (3). Last evaluated 2025-06-03.

Conditions:
Cardiovascular phenotype. Identifiers: MedGen CN230736.

Allele frequency attached by ClinVar (database versions not stated): gnomAD 0.00001; gnomAD exomes 0.00001; TOPMed 0.00001.
gnomAD v4.1: 17 of 1,611,186 alleles (0.0011%); highest among the groups gnomAD compares: Non-Finnish European, 0.0014%; no homozygotes.

Submissions (3):

Women's Health and Genetics/Laboratory Corporation of America, LabCorp
Classification: Uncertain significance. Last evaluated: 2025-06-03. Review status: criteria provided, single submitter. Criteria: LabCorp Variant Classification Summary - May 2015. Collection method: clinical testing. Allele origin: germline.
Comment: Variant summary: TTN c.37665C>G (p.Ile12555Met) results in a conservative amino acid change in the encoded protein sequence. Algorithms developed to predict the effect of missense changes on protein structure and function are either unavailable or do not agree on the potential impact of this missense change. The variant was absent in 245922 control chromosomes. The available data on variant occurrences in the general population are insufficient to allow any conclusion about variant significance. To our knowledge, no occurrence of c.37665C>G in individuals affected with TTN-related conditions and no experimental evidence demonstrating its impact on protein function have been reported. ClinVar contains an entry for this variant (Variation ID: 518558). Based on the evidence outlined above, the variant was classified as uncertain significance.

GeneDx
Classification: Uncertain significance. Last evaluated: 2024-07-08. Review status: criteria provided, single submitter. Criteria: GeneDx Variant Classification Process June 2021. Collection method: clinical testing. Allele origin: germline. Affected: yes.
Comment: Not observed at significant frequency in large population cohorts (gnomAD); Missense variant in a gene in which most reported pathogenic variants are truncating/loss of function; Has not been previously published as pathogenic or benign to our knowledge

Ambry Genetics
Classification: Uncertain significance for Cardiovascular phenotype. Last evaluated: 2018-10-26. Review status: criteria provided, single submitter. Criteria: Ambry Variant Classification Scheme 2023. Collection method: clinical testing. Allele origin: germline.
Comment: The p.I6058M variant (also known as c.18174C>G), located in coding exon 73 of the TTN gene, results from a C to G substitution at nucleotide position 18174. The isoleucine at codon 6058 is replaced by methionine, an amino acid with highly similar properties. This amino acid position is not well conserved in available vertebrate species. In addition, this alteration is predicted to be tolerated by in silico analysis. Since supporting evidence is limited at this time, the clinical significance of this alteration remains unclear.